The following is an entry in ClinVar:

NM_001267550.2(TTN):c.56050+1G>A

Genes: TTN (titin; minus strand), TTN-AS1 (TTN antisense RNA 1; plus strand). Cytogenetic location: 2q31.2.
Variant type: single nucleotide variant.
Coding change: c.56050+1G>A on transcript NM_001267550.2 (MANE Select); the canonical splice donor site of the intron after coding-DNA position 56050, G replaced by A.
Molecular consequence: splice donor variant.
Genome position (GRCh38, 1-based): chr2:178,600,853, C>T on the plus strand (G>A on the coding strand, the complement: TTN is on the minus strand). VCF-style: chr2-178600853-C-T. GRCh37 (hg19) VCF-style: chr2-179465580-C-T.
Other names: c.28855+1G>A (NM_003319.4); c.29431+1G>A (NM_133437.4); c.29230+1G>A (NM_133432.3); c.48346+1G>A (NM_133378.4); c.51127+1G>A (NM_001256850.1).
Identifiers: ClinVar variation 2921525 (VCV002921525.3), dbSNP rs1401183537, ClinGen allele CA349535424.
Genomic context (GRCh38, chr2:178,600,853, plus strand): 5'-ATTGAACACCTAGGAAGGCAGCTGTAAGGAGGACATTCTTTGTCAGTACATTGGTACTTA[C>T]ATGTCTGGTCTTTGACAGTCACAGGGCCAACAGTGGCTGAAGGCTTGCTGACTCCTGCAG-3'

ClinVar aggregate classification (germline): Likely pathogenic (1 of 4 stars; one submission).

Conditions:
Dilated cardiomyopathy 1G (CMD1G). Identifiers: Orphanet 154, MedGen C1858763, MONDO:0011400, OMIM 604145.
Autosomal recessive limb-girdle muscular dystrophy type 2J (LGMDR10). Also called: Limb-girdle muscular dystrophy, type 2J; MUSCULAR DYSTROPHY, LIMB-GIRDLE, AUTOSOMAL RECESSIVE 10. Identifiers: Orphanet 140922, MedGen C1837342, MONDO:0012127, OMIM 608807.

Submission:

Labcorp Genetics (formerly Invitae), Labcorp
Classification: Likely pathogenic for Dilated cardiomyopathy 1G; Autosomal recessive limb-girdle muscular dystrophy type 2J. Last evaluated: 2023-12-18. Review status: criteria provided, single submitter. Criteria: Invitae Variant Classification Sherloc (09022015). Collection method: clinical testing. Allele origin: germline.
Comment: This sequence change affects a donor splice site in intron 288 of the TTN gene. It is expected to disrupt RNA splicing and likely results in a truncated or disrupted TTN protein. This variant is not present in population databases (gnomAD no frequency). This variant has not been reported in the literature in individuals affected with TTN-related conditions. Algorithms developed to predict the effect of sequence changes on RNA splicing suggest that this variant may disrupt the consensus splice site. This variant is located in the A band of TTN (PMID: 25589632). Truncating variants in this region are significantly overrepresented in patients affected with dilated cardiomyopathy (PMID: 25589632). Truncating variants in this region have also been reported in individuals affected with autosomal recessive centronuclear myopathy (PMID: 23975875). In summary, the currently available evidence indicates that the variant is pathogenic, but additional data are needed to prove that conclusively. Therefore, this variant has been classified as Likely Pathogenic.

Literature cited by the submitters: PubMed 25589632; PubMed 23975875.